The following is an entry in ClinVar:

NM_002335.4(LRP5):c.3237-5C>G

Gene: LRP5 (LDL receptor related protein 5; plus strand). Cytogenetic location: 11q13.2.
Variant type: single nucleotide variant.
Coding change: c.3237-5C>G on transcript NM_002335.4 (MANE Select); 5 bases into the intron before coding-DNA position 3237, C replaced by G.
Molecular consequence: intron variant.
Genome position (GRCh38, 1-based): chr11:68,425,097, C>G. VCF-style: chr11-68425097-C-G. GRCh37 (hg19) VCF-style: chr11-68192565-C-G.
Other names: c.1494-5C>G (NM_001291902.2).
Identifiers: ClinVar variation 1964972 (VCV001964972.5), dbSNP rs376163277, ClinGen allele CA600239186.

ClinVar aggregate classification (germline): Uncertain significance (1 of 4 stars; one submission).

gnomAD v4.1: 7 of 1,613,268 alleles (0.00043%); highest among the groups gnomAD compares: Non-Finnish European, 0.00051%; no homozygotes.

Submission:

Labcorp Genetics (formerly Invitae), Labcorp
Classification: Uncertain significance. Last evaluated: 2022-02-22. Review status: criteria provided, single submitter. Criteria: Invitae Variant Classification Sherloc (09022015). Collection method: clinical testing. Allele origin: germline.
Comment: This sequence change falls in intron 14 of the LRP5 gene. It does not directly change the encoded amino acid sequence of the LRP5 protein. This variant is present in population databases (no rsID available, gnomAD 0.0009%). This variant has not been reported in the literature in individuals affected with LRP5-related conditions. Algorithms developed to predict the effect of sequence changes on RNA splicing suggest that this variant may create or strengthen a splice site. In summary, the available evidence is currently insufficient to determine the role of this variant in disease. Therefore, it has been classified as a Variant of Uncertain Significance.